The following is an entry in ClinVar:

NM_024529.5(CDC73):c.1405dup (p.Ile469fs)

Gene: CDC73 (cell division cycle 73; plus strand). Cytogenetic location: 1q31.2.
Variant type: Duplication.
Coding change: c.1405dup on transcript NM_024529.5 (MANE Select); coding-DNA position 1405, one base duplicated (A; older notation c.1405dupA).
Protein change: p.Ile469fs; shifts the reading frame from isoleucine 469.
Molecular consequence: frameshift variant.
Genome position (GRCh38, 1-based): chr1:193,236,344, A duplicated. VCF-style (leftmost placement, unchanged base first): chr1-193236343-T-TA. GRCh37 (hg19) VCF-style: chr1-193205473-T-TA.
Other names: short protein forms I469fs.
Identifiers: ClinVar variation 938616 (VCV000938616.1), dbSNP rs1677757559, ClinGen allele CA1139656456.

ClinVar aggregate classification (germline): Pathogenic (1 of 4 stars; one submission).

Conditions:
Parathyroid carcinoma (PRTC). Also called: CDC73-Related Parathyroid Carcinoma; Parathyroid gland carcinoma. Identifiers: Orphanet 143, MedGen C0687150, MONDO:0012004, OMIM 608266, HP:0006780.

Submission:

Labcorp Genetics (formerly Invitae), Labcorp
Classification: Pathogenic for Parathyroid carcinoma. Last evaluated: 2019-10-02. Review status: criteria provided, single submitter. Criteria: Invitae Variant Classification Sherloc (09022015). Collection method: clinical testing. Allele origin: germline.
Comment: This sequence change creates a premature translational stop signal (p.Ile469Asnfs*4) in the CDC73 gene. It is expected to result in an absent or disrupted protein product. This variant is not present in population databases (ExAC no frequency). This variant has not been reported in the literature in individuals with CDC73-related conditions. Loss-of-function variants in CDC73 are known to be pathogenic (PMID: 12434154). For these reasons, this variant has been classified as Pathogenic.